The following is an entry in ClinVar:

NM_201253.3(CRB1):c.1264C>G (p.His422Asp)

Gene: CRB1 (crumbs cell polarity complex component 1; plus strand). Cytogenetic location: 1q31.3.
Variant type: single nucleotide variant.
Coding change: c.1264C>G on transcript NM_201253.3 (MANE Select); coding-DNA position 1264, C replaced by G.
Protein change: p.His422Asp; replaces histidine 422 with aspartic acid.
Molecular consequence: missense variant. On other transcripts: non-coding transcript variant (2).
Genome position (GRCh38, 1-based): chr1:197,421,092, C>G. VCF-style: chr1-197421092-C-G. GRCh37 (hg19) VCF-style: chr1-197390222-C-G.
Other names: c.928C>G, p.His310Asp (NM_001193640.2); c.1057C>G, p.His353Asp (NM_001257965.2); c.1264C>G, p.His422Asp (NM_001257966.2); short protein forms H310D, H422D, H353D.
Identifiers: ClinVar variation 5000142 (VCV005000142.1).
Genomic context (GRCh38, chr1:197,421,092, plus strand): 5'-TCTTCAAACCCTTGCCAAAATGGTGGTACTTGTGAGAACTTGCCTGGGAATTATACTTGC[C>G]ATTGCCCATTTGATAACCTTTCTAGAACTTTTTATGGAGGAAGGGACTGTTCTGATATTC-3'
Protein context (NP_957705.1, residues 412-432): CENLPGNYTC[His422Asp]CPFDNLSRTF

ClinVar aggregate classification (germline): Uncertain significance (1 of 4 stars; one submission).

Conditions:
CRB1-related disorder. Also called: CRB1-related disorders; CRB1-related condition.

Submission:

PreventionGenetics, part of Exact Sciences
Classification: Uncertain significance for CRB1-related condition. Last evaluated: 2025-01-07. Review status: criteria provided, single submitter. Criteria: ACMG Guidelines, 2015. Collection method: clinical testing. Allele origin: germline.
Comment: The CRB1 c.1264C>G variant is predicted to result in the amino acid substitution p.His422Asp. To our knowledge, this variant has not been reported in the literature or in a large population database (gnomAD), indicating this variant is rare. At this time, the clinical significance of this variant is uncertain due to the absence of conclusive functional and genetic evidence.